The following is an entry in ClinVar:

ClinVar aggregate classification (germline): Uncertain significance. Review status: criteria provided, single submitter (1 of 4 stars). 2 submissions from 2 submitters: Uncertain significance (1). 1 of the submissions does not count toward it. Last evaluated 2025-02-07.

Conditions:
Periodic fever-infantile enterocolitis-autoinflammatory syndrome. Also called: Autoinflammation with infantile enterocolitis. Identifiers: Orphanet 436166, MedGen C4015067, MONDO:0014472, OMIM 616050.
Familial cold autoinflammatory syndrome 4 (FCAS4). Identifiers: Orphanet 47045, Orphanet 576349, MedGen C4015276, MONDO:0014498, OMIM 616115.

Allele frequency attached by ClinVar (database versions not stated): gnomAD exomes 0.00001 and 0.00004; TOPMed 0.00003; ExAC 0.00004; gnomAD 0.00001.
gnomAD v4.1: 13 of 1,614,202 alleles (0.00081%); highest among the groups gnomAD compares: Admixed American, 0.015%; no homozygotes.

Submissions (2):

Labcorp Genetics (formerly Invitae), Labcorp
Classification: Uncertain significance for Periodic fever-infantile enterocolitis-autoinflammatory syndrome; Familial cold autoinflammatory syndrome 4. Last evaluated: 2025-02-07. Review status: criteria provided, single submitter. Criteria: Invitae Variant Classification Sherloc (09022015). Collection method: clinical testing. Allele origin: germline.
Comment: This sequence change replaces asparagine, which is neutral and polar, with serine, which is neutral and polar, at codon 604 of the NLRC4 protein (p.Asn604Ser). This variant is present in population databases (rs199475957, gnomAD 0.03%). This variant has not been reported in the literature in individuals affected with NLRC4-related conditions. ClinVar contains an entry for this variant (Variation ID: 103075). Invitae Evidence Modeling of protein sequence and biophysical properties (such as structural, functional, and spatial information, amino acid conservation, physicochemical variation, residue mobility, and thermodynamic stability) indicates that this missense variant is not expected to disrupt NLRC4 protein function with a negative predictive value of 80%. In summary, the available evidence is currently insufficient to determine the role of this variant in disease. Therefore, it has been classified as a Variant of Uncertain Significance.

Human Evolutionary Genetics, Institut Pasteur
No classification provided. Review status: no classification provided. Collection method: not provided. Allele origin: germline. Not counted in ClinVar's aggregate classification.
ClinVar note: Converted during submission from untested to not provided.

NM_001199138.2(NLRC4):c.1811A>G (p.Asn604Ser)

Gene: NLRC4 (NLR family CARD domain containing 4; minus strand). Cytogenetic location: 2p22.3.
Variant type: single nucleotide variant.
Coding change: c.1811A>G on transcript NM_001199138.2 (MANE Select); coding-DNA position 1811, A replaced by G.
Protein change: p.Asn604Ser; replaces asparagine 604 with serine.
Molecular consequence: missense variant. On other transcripts: intron variant (1).
Genome position (GRCh38, 1-based): chr2:32,250,053, T>C on the plus strand (A>G on the coding strand, the complement: NLRC4 is on the minus strand). VCF-style: chr2-32250053-T-C. GRCh37 (hg19) VCF-style: chr2-32475122-T-C.
Other names: c.1811A>G, p.Asn604Ser (NM_001199139.2, NM_021209.5); c.262+2366A>G (NM_001302504.1); short protein forms N604S.
Identifiers: ClinVar variation 103075 (VCV000103075.11), dbSNP rs199475957, ClinGen allele CA230082.